The following is an entry in ClinVar:

NM_001164508.2(NEB):c.6076-2A>C

Gene: NEB (nebulin; minus strand). Cytogenetic location: 2q23.3.
Variant type: single nucleotide variant.
Coding change: c.6076-2A>C on transcript NM_001164508.2 (MANE Select); the canonical splice acceptor site of the intron before coding-DNA position 6076, A replaced by C.
Molecular consequence: splice acceptor variant.
Genome position (GRCh38, 1-based): chr2:151,658,092, T>G on the plus strand (A>C on the coding strand, the complement: NEB is on the minus strand). VCF-style: chr2-151658092-T-G. GRCh37 (hg19) VCF-style: chr2-152514606-T-G.
Other names: c.6076-2A>C (NM_004543.5, NM_001164507.2, NM_001271208.2).
Identifiers: ClinVar variation 465621 (VCV000465621.8), dbSNP rs1553469514, ClinGen allele CA348802588.

ClinVar aggregate classification (germline): Pathogenic/Likely pathogenic. Review status: criteria provided, multiple submitters, no conflicts (2 of 4 stars). 2 submissions from 2 submitters: Pathogenic (1); Likely pathogenic (1). Last evaluated 2022-05-30.

Conditions:
Nemaline myopathy 2 (NEM2). Also called: Nemaline myopathy 2, autosomal recessive. Identifiers: MedGen C1850569, MONDO:0009725, OMIM 256030.
NEB-related disorder. Also called: NEB-Related Disorders; NEB-related condition.

Submissions (2):

Labcorp Genetics (formerly Invitae), Labcorp
Classification: Pathogenic for Nemaline myopathy 2. Last evaluated: 2022-05-30. Review status: criteria provided, single submitter. Criteria: Invitae Variant Classification Sherloc (09022015). Collection method: clinical testing. Allele origin: germline.
Comment: For these reasons, this variant has been classified as Pathogenic. Algorithms developed to predict the effect of sequence changes on RNA splicing suggest that this variant may disrupt the consensus splice site. ClinVar contains an entry for this variant (Variation ID: 465621). Disruption of this splice site has been observed in individual(s) with clinical features of NEB-related conditions (Invitae). In at least one individual the data is consistent with being in trans (on the opposite chromosome) from a pathogenic variant. This variant is not present in population databases (gnomAD no frequency). This sequence change affects an acceptor splice site in intron 47 of the NEB gene. It is expected to disrupt RNA splicing. Variants that disrupt the donor or acceptor splice site typically lead to a loss of protein function (PMID: 16199547), and loss-of-function variants in NEB are known to be pathogenic (PMID: 25205138).

Blueprint Genetics
Classification: Likely pathogenic for NEB-related disorders. Last evaluated: 2018-03-14. Review status: criteria provided, single submitter. Criteria: ACMG Guidelines, 2015. Collection method: clinical testing. Allele origin: germline. Affected: yes. Observed: 1 variant allele.

Literature cited by the submitters: PubMed 16199547 (cited by Labcorp Genetics (formerly Invitae), Labcorp); PubMed 25205138 (cited by Labcorp Genetics (formerly Invitae), Labcorp).